The following is an entry in ClinVar:

ClinVar aggregate classification (germline): Uncertain significance (1 of 4 stars; one submission).

Conditions:
Nephronophthisis. Also called: Juvenile Nephronophthisis. Identifiers: Orphanet 655, MedGen C0687120, MONDO:0019005, HP:0000090.

gnomAD v4.1: 3 of 1,613,598 alleles (0.00019%); highest among the groups gnomAD compares: Admixed American, 0.005%; no homozygotes.

Submission:

Labcorp Genetics (formerly Invitae), Labcorp
Classification: Uncertain significance for Nephronophthisis. Last evaluated: 2022-09-27. Review status: criteria provided, single submitter. Criteria: Invitae Variant Classification Sherloc (09022015). Collection method: clinical testing. Allele origin: germline.
Comment: This sequence change replaces alanine, which is neutral and non-polar, with serine, which is neutral and polar, at codon 359 of the IQCB1 protein (p.Ala359Ser). This variant is not present in population databases (gnomAD no frequency). This variant has not been reported in the literature in individuals affected with IQCB1-related conditions. Advanced modeling of protein sequence and biophysical properties (such as structural, functional, and spatial information, amino acid conservation, physicochemical variation, residue mobility, and thermodynamic stability) performed at Invitae indicates that this missense variant is not expected to disrupt IQCB1 protein function. In summary, the available evidence is currently insufficient to determine the role of this variant in disease. Therefore, it has been classified as a Variant of Uncertain Significance.

NM_001023570.4(IQCB1):c.1075G>T (p.Ala359Ser)

Gene: IQCB1 (IQ motif containing B1; minus strand). Cytogenetic location: 3q13.33.
Variant type: single nucleotide variant.
Coding change: c.1075G>T on transcript NM_001023570.4 (MANE Select); coding-DNA position 1075, G replaced by T.
Protein change: p.Ala359Ser; replaces alanine 359 with serine.
Molecular consequence: missense variant. On other transcripts: non-coding transcript variant (1).
Genome position (GRCh38, 1-based): chr3:121,790,127, C>A on the plus strand (G>T on the coding strand, the complement: IQCB1 is on the minus strand). VCF-style: chr3-121790127-C-A. GRCh37 (hg19) VCF-style: chr3-121508974-C-A.
Other names: c.676G>T, p.Ala226Ser (NM_001023571.4); c.1075G>T, p.Ala359Ser (NM_001319107.2); short protein forms A359S, A226S.
Identifiers: ClinVar variation 2069232 (VCV002069232.1), dbSNP rs1559765518, ClinGen allele CA354116695.